The following is an entry in ClinVar:

ClinVar aggregate classification (germline): Uncertain significance. Review status: criteria provided, multiple submitters, no conflicts (2 of 4 stars). 2 submissions from 2 submitters: Uncertain significance (2). Last evaluated 2024-12-02.

Allele frequency attached by ClinVar (database versions not stated): TOPMed below 0.00001; ExAC 0.00001; gnomAD exomes 0.00001.
gnomAD v4.1: 11 of 1,612,980 alleles (0.00068%); highest among the groups gnomAD compares: African/African-American, 0.0013%; no homozygotes.

Submissions (2):

Labcorp Genetics (formerly Invitae), Labcorp
Classification: Uncertain significance. Last evaluated: 2024-12-02. Review status: criteria provided, single submitter. Criteria: Invitae Variant Classification Sherloc (09022015). Collection method: clinical testing. Allele origin: germline.
Comment: This sequence change replaces arginine, which is basic and polar, with tryptophan, which is neutral and slightly polar, at codon 766 of the RBP3 protein (p.Arg766Trp). This variant is present in population databases (rs782187246, gnomAD 0.0009%). This variant has not been reported in the literature in individuals affected with RBP3-related conditions. ClinVar contains an entry for this variant (Variation ID: 961143). An algorithm developed to predict the effect of missense changes on protein structure and function (PolyPhen-2) suggests that this variant is likely to be tolerated. In summary, the available evidence is currently insufficient to determine the role of this variant in disease. Therefore, it has been classified as a Variant of Uncertain Significance.

Blueprint Genetics
Classification: Uncertain significance. Last evaluated: 2024-06-04. Review status: criteria provided, single submitter. Criteria: ACMG Guidelines, 2015. Collection method: clinical testing. Allele origin: germline.

NM_002900.3(RBP3):c.2296C>T (p.Arg766Trp)

Gene: RBP3 (retinol binding protein 3; plus strand). Cytogenetic location: 10q11.22.
Variant type: single nucleotide variant.
Coding change: c.2296C>T on transcript NM_002900.3 (MANE Select); coding-DNA position 2296, C replaced by T.
Protein change: p.Arg766Trp; replaces arginine 766 with tryptophan.
Molecular consequence: missense variant.
Genome position (GRCh38, 1-based): chr10:47,350,780, C>T. VCF-style: chr10-47350780-C-T. GRCh37 (hg19) VCF-style: chr10-48388582-G-A.
Other names: short protein forms R766W.
Identifiers: ClinVar variation 961143 (VCV000961143.8), dbSNP rs782187246, ClinGen allele CA5487316.